The following is an entry in ClinVar:

ClinVar aggregate classification (germline): Uncertain significance. Review status: criteria provided, multiple submitters, no conflicts (2 of 4 stars). 2 submissions from 2 submitters: Uncertain significance (2). Last evaluated 2023-02-04.

Conditions:
Cardiovascular phenotype. Identifiers: MedGen CN230736.
Walker-Warburg congenital muscular dystrophy. Also called: Muscular dystrophy-dystroglycanopathy, type A; Walker-Warburg syndrome. Identifiers: Orphanet 899, MedGen C0265221, MONDO:0000171.

Allele frequency attached by ClinVar (database versions not stated): gnomAD exomes 0.00001; ExAC 0.00002.

Submissions (2):

Ambry Genetics
Classification: Uncertain significance for Cardiovascular phenotype. Last evaluated: 2023-02-04. Review status: criteria provided, single submitter. Criteria: Ambry Variant Classification Scheme 2023. Collection method: clinical testing. Allele origin: germline.
Comment: The p.E279K variant (also known as c.835G>A), located in coding exon 6 of the FKTN gene, results from a G to A substitution at nucleotide position 835. The glutamic acid at codon 279 is replaced by lysine, an amino acid with similar properties. This amino acid position is conserved. In addition, this alteration is predicted to be tolerated by in silico analysis. Since supporting evidence is limited at this time, the clinical significance of this alteration remains unclear.

Labcorp Genetics (formerly Invitae), Labcorp
Classification: Uncertain significance for Walker-Warburg congenital muscular dystrophy. Last evaluated: 2022-01-19. Review status: criteria provided, single submitter. Criteria: Invitae Variant Classification Sherloc (09022015). Collection method: clinical testing. Allele origin: germline.
Comment: This sequence change replaces glutamic acid, which is acidic and polar, with lysine, which is basic and polar, at codon 279 of the FKTN protein (p.Glu279Lys). This variant is present in population databases (rs775571457, gnomAD 0.004%). This variant has not been reported in the literature in individuals affected with FKTN-related conditions. Algorithms developed to predict the effect of missense changes on protein structure and function (SIFT, PolyPhen-2, Align-GVGD) all suggest that this variant is likely to be tolerated. In summary, the available evidence is currently insufficient to determine the role of this variant in disease. Therefore, it has been classified as a Variant of Uncertain Significance.

NM_001079802.2(FKTN):c.835G>A (p.Glu279Lys)

Gene: FKTN (fukutin; plus strand). Cytogenetic location: 9q31.2.
Variant type: single nucleotide variant.
Coding change: c.835G>A on transcript NM_001079802.2 (MANE Select); coding-DNA position 835, G replaced by A.
Protein change: p.Glu279Lys; replaces glutamic acid 279 with lysine.
Molecular consequence: missense variant. On other transcripts: non-coding transcript variant (1).
Genome position (GRCh38, 1-based): chr9:105,615,332, G>A. VCF-style: chr9-105615332-G-A. GRCh37 (hg19) VCF-style: chr9-108377613-G-A.
Other names: c.835G>A, p.Glu279Lys (NM_001198963.2, NM_001351496.2, NM_001351498.2 and 1 more transcripts); c.766G>A, p.Glu256Lys (NM_001351497.2); c.439G>A, p.Glu147Lys (NM_001351499.2, NM_001351500.2, NM_001351501.2 and 1 more transcripts); short protein forms E256K, E279K, E147K.
Identifiers: ClinVar variation 2141149 (VCV002141149.3), dbSNP rs775571457, ClinGen allele CA5170502.